The following is an entry in ClinVar:

ClinVar aggregate classification (germline): Uncertain significance. Review status: criteria provided, multiple submitters, no conflicts (2 of 4 stars). 2 submissions from 2 submitters: Uncertain significance (2). Last evaluated 2026-08-14.

Conditions:
NRP1-related disorder. Also called: NRP1-related condition.

gnomAD v4.1: 2 of 1,612,174 alleles (0.00012%); highest among the groups gnomAD compares: African/African-American, 0.0027%; no homozygotes.

Submissions (2):

PreventionGenetics, part of Exact Sciences
Classification: Uncertain significance for NRP1-related condition. Last evaluated: 2026-08-14. Review status: criteria provided, single submitter. Criteria: ACMG Guidelines, 2015. Collection method: clinical testing. Allele origin: germline.
Comment: The NRP1 c.2081A>T variant is predicted to result in the amino acid substitution p.Tyr694Phe. To our knowledge, this variant has not been reported in the literature. This variant is reported in 0.0081% of alleles in individuals of African descent in gnomAD. At this time, the clinical significance of this variant is uncertain due to the absence of conclusive functional and genetic evidence.

Ambry Genetics
Classification: Uncertain significance. Last evaluated: 2024-08-20. Review status: criteria provided, single submitter. Criteria: Ambry Variant Classification Scheme 2023. Collection method: clinical testing. Allele origin: germline.

NM_003873.7(NRP1):c.2081A>T (p.Tyr694Phe)

Gene: NRP1 (neuropilin 1; minus strand). Cytogenetic location: 10p11.22.
Variant type: single nucleotide variant.
Coding change: c.2081A>T on transcript NM_003873.7 (MANE Select); coding-DNA position 2081, A replaced by T.
Protein change: p.Tyr694Phe; replaces tyrosine 694 with phenylalanine.
Molecular consequence: missense variant. On other transcripts: non-coding transcript variant (1).
Genome position (GRCh38, 1-based): chr10:33,186,470, T>A on the plus strand (A>T on the coding strand, the complement: NRP1 is on the minus strand). VCF-style: chr10-33186470-T-A. GRCh37 (hg19) VCF-style: chr10-33475398-T-A.
Other names: c.2063A>T, p.Tyr688Phe (NM_001244972.2); c.2060A>T, p.Tyr687Phe (NM_001244973.2); c.2081A>T, p.Tyr694Phe (NM_001330068.2); short protein forms Y688F, Y694F, Y687F.
Identifiers: ClinVar variation 3407877 (VCV003407877.2).